The following is an entry in ClinVar:

NM_021098.3(CACNA1H):c.455TCA[1] (p.Ile153del)

Gene: CACNA1H (calcium voltage-gated channel subunit alpha1 H; plus strand). Cytogenetic location: 16p13.3.
Variant type: Microsatellite.
Coding change: c.455TCA[1] on transcript NM_021098.3 (MANE Select); one copy of the 3-base unit TCA starting at c.455; the reference has two copies in a row; one copy, 3 bases deleted; also written c.458_460del.
Protein change: p.Ile153del; deletes isoleucine 153.
Molecular consequence: inframe deletion.
Genome position (GRCh38, 1-based): chr16:1,195,478-1,195,480, TCA deleted; deleting any 3 consecutive bases within chr16:1,195,475-1,195,480 gives the same sequence; the position shown is the placement nearest the transcript's 3' end. VCF-style (leftmost placement, unchanged base first): chr16-1195474-GTCA-G. GRCh37 (hg19) VCF-style: chr16-1245474-GTCA-G.
Other names: c.455TCA[1], p.Ile153del (NM_001005407.2); c.458_460del (NM_021098.3); short protein forms I153del.
Identifiers: ClinVar variation 1385377 (VCV001385377.9), dbSNP rs775597863, ClinGen allele CA7799434.

ClinVar aggregate classification (germline): Uncertain significance. Review status: criteria provided, multiple submitters, no conflicts (2 of 4 stars). 2 submissions from 2 submitters: Uncertain significance (2). Last evaluated 2024-10-24.

Conditions:
Idiopathic generalized epilepsy. Also called: Generalised epilepsy; EIG. Identifiers: MedGen C0270850, MONDO:0005579, OMIM 600669.
Hyperaldosteronism, familial, type IV (HALD4). Also called: FH IV; ALDOSTERONISM, PRIMARY, AND HYPERTENSION. Identifiers: Orphanet 642671, MedGen C4310756, MONDO:0014875, OMIM 617027.
Epilepsy, childhood absence, susceptibility to, 6. Identifiers: Orphanet 64280, MedGen C2749872, MONDO:0012763, OMIM 611942.

Submissions (2):

Labcorp Genetics (formerly Invitae), Labcorp
Classification: Uncertain significance for Idiopathic generalized epilepsy; Hyperaldosteronism, familial, type IV. Last evaluated: 2024-10-24. Review status: criteria provided, single submitter. Criteria: Invitae Variant Classification Sherloc (09022015). Collection method: clinical testing. Allele origin: germline.
Comment: This variant, c.458_460del, results in the deletion of 1 amino acid(s) of the CACNA1H protein (p.Ile153del), but otherwise preserves the integrity of the reading frame. This variant is present in population databases (rs775597863, gnomAD 0.001%). This variant has been observed in individual(s) with clinical features of amyotrophic lateral sclerosis (PMID: 32143681). Algorithms developed to predict the effect of variants on gene product structure and function are not available or were not evaluated for this variant. Experimental studies have shown that this variant affects CACNA1H function (PMID: 32143681). In summary, the available evidence is currently insufficient to determine the role of this variant in disease. Therefore, it has been classified as a Variant of Uncertain Significance.

Pittsburgh Clinical Genomics Laboratory, University of Pittsburgh Medical Center
Classification: Uncertain significance for Epilepsy, childhood absence, susceptibility to, 6. Last evaluated: 2024-05-10. Review status: criteria provided, single submitter. Criteria: ACMG Guidelines, 2015. Collection method: clinical testing. Allele origin: germline. Inheritance: Autosomal dominant inheritance. Affected: yes.
Comment: This sequence variant is a three nucleotide substitution (delTCA) at position 458_460 of the coding sequence of the CACNA1H gene that results in the deletion of the isoleucine residue at position 153 of the calcium voltage-gated channel subunit alpha1 H protein. The 153 residue occurs in the second transmembrane region of the calcium voltage-gated channel subunit alpha1 H protein (PMID: 31217264, 32143681). This is a previously reported variant (ClinVar 1385377) that has been observed in individual affected by global developmental delay and autism spectrum disorder (PMID: 38539105) and an individual affected by amyotrophic lateral sclerosis (PMID: 32143681). This variant is present in 2 of 350142 alleles (0.0006%) in the gnomAD population dataset. Predictions from bioinformatic tools are inconclusive for this variant. Functional studies in human cells indicate that the protein resulting from this variant disrupts Cav3.2 channel function possibly through the rapid degradation of the protein (PMID: 32143681). However additional studies are needed to verify this observation. Based upon the evidence, we consider this a variant of uncertain significance. ACMG Criteria: PM2, PM4, PS3

Literature cited by the submitters: PubMed 32143681 (cited by Labcorp Genetics (formerly Invitae), Labcorp and Pittsburgh Clinical Genomics Laboratory, University of Pittsburgh Medical Center); PubMed 31217264 (cited by Pittsburgh Clinical Genomics Laboratory, University of Pittsburgh Medical Center); PubMed 38539105 (cited by Pittsburgh Clinical Genomics Laboratory, University of Pittsburgh Medical Center).